The following is an entry in ClinVar:

NM_005932.4(MIPEP):c.1054-6T>C

Gene: MIPEP (mitochondrial intermediate peptidase; minus strand). Cytogenetic location: 13q12.12.
Variant type: single nucleotide variant.
Coding change: c.1054-6T>C on transcript NM_005932.4 (MANE Select); 6 bases into the intron before coding-DNA position 1054, T replaced by C.
Molecular consequence: intron variant.
Genome position (GRCh38, 1-based): chr13:23,858,918, A>G on the plus strand (T>C on the coding strand, the complement: MIPEP is on the minus strand). VCF-style: chr13-23858918-A-G. GRCh37 (hg19) VCF-style: chr13-24433057-A-G.
Identifiers: ClinVar variation 3364944 (VCV003364944.2).

ClinVar aggregate classification (germline): Uncertain significance (1 of 4 stars; one submission).

gnomAD v4.1: 75 of 1,611,734 alleles (0.0047%); highest among the groups gnomAD compares: South Asian, 0.055%; no homozygotes.

Submission:

GeneDx
Classification: Uncertain significance. Last evaluated: 2026-03-16. Review status: criteria provided, single submitter. Criteria: GeneDx Variant Classification Process June 2021. Collection method: clinical testing. Allele origin: germline.
Comment: Has not been previously published as pathogenic or benign to our knowledge; In silico analysis is inconclusive as to whether the variant alters gene splicing. In the absence of RNA/functional studies, the actual effect of this sequence change is unknown.